The following is an entry in ClinVar:

ClinVar aggregate classification (germline): Uncertain significance (1 of 4 stars; one submission).

Conditions:
Cardiovascular phenotype. Identifiers: MedGen CN230736.

gnomAD v4.1: 6 of 1,614,020 alleles (0.00037%); highest among the groups gnomAD compares: Non-Finnish European, 0.00051%; no homozygotes.

Submission:

Ambry Genetics
Classification: Uncertain significance for Cardiovascular phenotype. Last evaluated: 2024-10-08. Review status: criteria provided, single submitter. Criteria: Ambry Variant Classification Scheme 2023. Collection method: clinical testing. Allele origin: germline.
Comment: The p.N535S variant (also known as c.1604A>G), located in coding exon 13 of the CACNB2 gene, results from an A to G substitution at nucleotide position 1604. The asparagine at codon 535 is replaced by serine, an amino acid with highly similar properties. This amino acid position is conserved. In addition, this alteration is predicted to be tolerated by in silico analysis. Based on the available evidence, the clinical significance of this variant remains unclear.

NM_201596.3(CACNB2):c.1766A>G (p.Asn589Ser)

Gene: CACNB2 (calcium voltage-gated channel auxiliary subunit beta 2; plus strand). Cytogenetic location: 10p12.31.
Variant type: single nucleotide variant.
Coding change: c.1766A>G on transcript NM_201596.3 (MANE Select); coding-DNA position 1766, A replaced by G.
Protein change: p.Asn589Ser; replaces asparagine 589 with serine.
Molecular consequence: missense variant.
Genome position (GRCh38, 1-based): chr10:18,539,507, A>G. VCF-style: chr10-18539507-A-G. GRCh37 (hg19) VCF-style: chr10-18828436-A-G.
Other names: c.1601A>G, p.Asn534Ser (NM_000724.4); c.1568A>G, p.Asn523Ser (NM_001167945.2); c.1487A>G, p.Asn496Ser (NM_001330060.2); c.1508A>G, p.Asn503Ser (NM_001410882.1); c.1622A>G, p.Asn541Ser (NM_201570.3); c.1682A>G, p.Asn561Ser (NM_201571.4); c.1610A>G, p.Asn537Ser (NM_201572.4); c.1604A>G, p.Asn535Ser (NM_201590.3); and 2 more; short protein forms N551S, N565S, N496S, N535S, N523S, N537S, N503S, N534S.
Identifiers: ClinVar variation 3484146 (VCV003484146.1).